The following is an entry in ClinVar:

NM_003000.3(SDHB):c.120G>C (p.Lys40Asn)

Gene: SDHB (succinate dehydrogenase complex iron sulfur subunit B; minus strand). Cytogenetic location: 1p36.13.
Variant type: single nucleotide variant.
Coding change: c.120G>C on transcript NM_003000.3 (MANE Select); coding-DNA position 120, G replaced by C.
Protein change: p.Lys40Asn; replaces lysine 40 with asparagine.
Molecular consequence: missense variant.
Genome position (GRCh38, 1-based): chr1:17,044,841, C>G on the plus strand (G>C on the coding strand, the complement: SDHB is on the minus strand). VCF-style: chr1-17044841-C-G. GRCh37 (hg19) VCF-style: chr1-17371336-C-G.
Other names: short protein forms K40N.
Identifiers: ClinVar variation 646918 (VCV000646918.11), dbSNP rs1570958090, ClinGen allele CA338228226.

ClinVar aggregate classification (germline): Conflicting classifications of pathogenicity. Review status: criteria provided, conflicting classifications (1 of 4 stars). 3 submissions from 3 submitters: Likely pathogenic (2); Uncertain significance (1). Last evaluated 2025-09-10.

Conditions:
Pheochromocytoma/paraganglioma syndrome 4. Also called: SDHB-Related Hereditary Paraganglioma-Pheochromocytoma Syndrome (Paragangliomas 4); SDHB-Related Hereditary Paraganglioma-Pheochromocytoma Syndrome; CAROTID BODY TUMORS AND MULTIPLE EXTRAADRENAL PHEOCHROMOCYTOMAS; PARAGANGLIOMA, FAMILIAL MALIGNANT; PARAGANGLIOMAS, HEREDITARY EXTRAADRENAL; PHEOCHROMOCYTOMA, FAMILIAL EXTRAADRENAL. Identifiers: Orphanet 29072, MedGen C1861848, MONDO:0007273, OMIM 115310.
Pheochromocytoma. Also called: MAX-Related Hereditary Paraganglioma-Pheochromocytoma Syndrome. Identifiers: Orphanet 29072, MedGen C0031511, MONDO:0008233, OMIM 171300, HP:0002666.
Gastrointestinal stromal tumor. Also called: Gastrointestinal stromal tumor, somatic; Gastrointestinal stroma tumor. Identifiers: Orphanet 44890, MedGen C0238198, MeSH D046152, MONDO:0011719, OMIM 606764, HP:0100723.
Hereditary cancer-predisposing syndrome. Also called: Neoplastic Syndromes, Hereditary; Tumor predisposition; Hereditary Cancer Syndrome; Hereditary neoplastic syndrome. Identifiers: Orphanet 140162, MedGen C0027672, MeSH D009386, MONDO:0015356.

Submissions (3):

Genomic Medicine Center of Excellence, King Faisal Specialist Hospital and Research Centre
Classification: Likely pathogenic for Pheochromocytoma/paraganglioma syndrome 4. Last evaluated: 2025-09-10. Review status: criteria provided, single submitter. Criteria: ACMG Guidelines, 2015. Collection method: clinical testing. Allele origin: germline.

Labcorp Genetics (formerly Invitae), Labcorp
Classification: Likely pathogenic for Gastrointestinal stromal tumor; Pheochromocytoma/paraganglioma syndrome 4; Pheochromocytoma. Last evaluated: 2020-12-25. Review status: criteria provided, single submitter. Criteria: Invitae Variant Classification Sherloc (09022015). Collection method: clinical testing. Allele origin: germline.
Comment: This variant disrupts the p.Lys40 amino acid residue in SDHB. Other variant(s) that disrupt this residue have been observed in individuals with SDHB-related conditions (PMID: 15473885, 28490599, 29386252, 29951630), suggesting that it is a clinically significant residue. As a result, variants that disrupt this residue are likely to be causative of disease. Algorithms developed to predict the effect of missense changes on protein structure and function (SIFT, PolyPhen-2, Align-GVGD) all suggest that this variant is likely to be disruptive, but these predictions have not been confirmed by published functional studies and their clinical significance is uncertain. This variant has been observed to segregate with pheochromocytoma or paraganglioma in a single family (Invitae). This variant is not present in population databases (ExAC no frequency). This sequence change replaces lysine with asparagine at codon 40 of the SDHB protein (p.Lys40Asn). The lysine residue is highly conserved and there is a moderate physicochemical difference between lysine and asparagine. In summary, the currently available evidence indicates that the variant is pathogenic, but additional data are needed to prove that conclusively. Therefore, this variant has been classified as Likely Pathogenic.

Ambry Genetics
Classification: Uncertain significance for Hereditary cancer-predisposing syndrome. Last evaluated: 2019-01-14. Review status: criteria provided, single submitter. Criteria: Ambry Variant Classification Scheme 2023. Collection method: clinical testing. Allele origin: germline.
Comment: The p.K40N variant (also known as c.120G>C), located in coding exon 2 of the SDHB gene, results from a G to C substitution at nucleotide position 120. The lysine at codon 40 is replaced by asparagine, an amino acid with similar properties. This amino acid position is highly conserved in available vertebrate species. In addition, the in silico prediction for this alteration is inconclusive. Since supporting evidence is limited at this time, the clinical significance of this alteration remains unclear.

Literature cited by the submitters: PubMed 15473885 (cited by Labcorp Genetics (formerly Invitae), Labcorp); PubMed 28490599 (cited by Labcorp Genetics (formerly Invitae), Labcorp); PubMed 29386252 (cited by Labcorp Genetics (formerly Invitae), Labcorp); PubMed 29951630 (cited by Labcorp Genetics (formerly Invitae), Labcorp).